The following is an entry in ClinVar:

GRCh37/hg19 7p22.1(chr7:4655928-5990874)x1

Genes: ACTB (actin beta; minus strand), AP5Z1 (adaptor related protein complex 5 subunit zeta 1; plus strand), CCZ1 (CCZ1 homolog, vacuolar protein trafficking and biogenesis associated; plus strand), FBXL18 (F-box and leucine rich repeat protein 18; minus strand), FOXK1 (forkhead box K1; plus strand) and 12 more. Cytogenetic location: 7p22.1.
Variant type: copy number loss.
Change: copy number 1 (one copy instead of two) of chr7:4,655,928-5,990,874 (1.33 Mb, GRCh37 coordinates, 1-based), cytogenetic band 7p22.1.
Identifiers: ClinVar variation 1809374 (VCV001809374.1).

ClinVar aggregate classification (germline): Pathogenic (1 of 4 stars; one submission).

Submission:

Quest Diagnostics Nichols Institute San Juan Capistrano
Classification: Pathogenic. Last evaluated: 2021-11-15. Review status: criteria provided, single submitter. Criteria: ACMG/ClinGen CNV Guidelines, 2019. Collection method: clinical testing. Allele origin: unknown.
Comment: The copy number loss of 7p22.1 involves several protein-coding genes, including ACTB (OMIM 102630). Deletions overlapping this region are associated with chromosome 7p22.1 deletion syndrome (OMIM 243310; also known as Baraitser-Winter syndrome-1), a severe developmental disorder characterized by intellectual disability; growth retardation; microcephaly; hypotonia; coloboma; sensorineural deafness; typical facial gestalt; and multiple other congenital malformations, including cardiac, skeletal, and urogenital defects. Some patients may develop cortical malformations, seizures, and ventriculomegaly. The pleiotropic malformations associated with this syndrome are thought to be primarily caused by haploinsufficiency of ACTB (Li 2020, Palumbo 2018, Cuvertino 2017, Shimojima 2016, Verloes 2015, Preiksaitiene 2012). Thus, this copy number variant (CNV) isinterpreted as pathogenic. References: Cuvertino et al., Am J Hum Genet. 2017 Dec 7;101(6):1021-1033. PMID:29220674. Li et al., Indian Pediatr. 2020 Jun 15;57(6):580-581. PMID: 32562408.Palumbo et al., Eur J Med Genet. 2018 May;61(5):248-252. PMID:29274487. Preiksaitiene et al., Am J Med Genet A. 2012 May;158A(5):1200-3.PMID: 22495914. Shimojima et al., Eur J Med Genet. 2016 Oct;59(10):502-6. PMID:27633570. Verloes et al., Eur J Hum Genet. 2015 Mar;23(3):292-301. PMID:25052316.